The following is an entry in ClinVar:

NM_003126.4(SPTA1):c.644T>C (p.Val215Ala)

Gene: SPTA1 (spectrin alpha, erythrocytic 1; minus strand). Cytogenetic location: 1q23.1.
Variant type: single nucleotide variant.
Coding change: c.644T>C on transcript NM_003126.4 (MANE Select); coding-DNA position 644, T replaced by C.
Protein change: p.Val215Ala; replaces valine 215 with alanine.
Molecular consequence: missense variant.
Genome position (GRCh38, 1-based): chr1:158,680,617, A>G on the plus strand (T>C on the coding strand, the complement: SPTA1 is on the minus strand). VCF-style: chr1-158680617-A-G. GRCh37 (hg19) VCF-style: chr1-158650407-A-G.
Other names: short protein forms V215A.
Identifiers: ClinVar variation 5002450 (VCV005002450.1).
Genomic context (GRCh38, chr1:158,680,617, plus strand): 5'-GAGTGAATATTTTGCTCCCACCTCACCTCGGCACACTCATTGGCATATTGGTTCACTTCA[A>G]CAACTCTCCCTTCTTTAGCTACCAGCTCCACTTGGAAGTCTTCAAATTTCTTATGCAGAA-3'
Protein context (NP_003117.2, residues 205-225): VELVAKEGRV[Val215Ala]EVNQYANECA

ClinVar aggregate classification (germline): Uncertain significance (1 of 4 stars; one submission).

Conditions:
SPTA1-related disorder. Also called: SPTA1-related condition; SPTA1-related disorders.

Submission:

PreventionGenetics, part of Exact Sciences
Classification: Uncertain significance for SPTA1-related condition. Last evaluated: 2025-04-10. Review status: criteria provided, single submitter. Criteria: ACMG Guidelines, 2015. Collection method: clinical testing. Allele origin: germline.
Comment: The SPTA1 c.644T>C variant is predicted to result in the amino acid substitution p.Val215Ala. To our knowledge, this variant has not been reported in the literature or in a large population database (gnomAD), indicating this variant is rare. At this time, the clinical significance of this variant is uncertain due to the absence of conclusive functional and genetic evidence.